The following is an entry in ClinVar:

NM_001035.3(RYR2):c.8315G>T (p.Arg2772Leu)

Gene: RYR2 (ryanodine receptor 2; plus strand). Cytogenetic location: 1q43.
Variant type: single nucleotide variant.
Coding change: c.8315G>T on transcript NM_001035.3 (MANE Select); coding-DNA position 8315, G replaced by T.
Protein change: p.Arg2772Leu; replaces arginine 2772 with leucine.
Molecular consequence: missense variant.
Genome position (GRCh38, 1-based): chr1:237,660,826, G>T. VCF-style: chr1-237660826-G-T. GRCh37 (hg19) VCF-style: chr1-237824126-G-T.
Other names: short protein forms R2772L.
Identifiers: ClinVar variation 920791 (VCV000920791.8), dbSNP rs922927449, ClinGen allele CA345401760.
Genomic context (GRCh38, chr1:237,660,826, plus strand): 5'-TACATTCATAATATATCTGTTGTTTCTTGTTTTTTCTTCTCTAGGAAAAAGAAATTTATC[G>T]CTGGCCAATCAAAGAATCTTTAAAAACTATGCTGGCTTGGGGCTGGAGAATTGAAAGAAC-3'
Protein context (NP_001026.2, residues 2762-2782): LLSEKEKEIY[Arg2772Leu]WPIKESLKTM

ClinVar aggregate classification (germline): Uncertain significance. Review status: criteria provided, multiple submitters, no conflicts (2 of 4 stars). 2 submissions from 2 submitters: Uncertain significance (2). Last evaluated 2024-03-06.

Conditions:
Cardiomyopathy (CMYO). Also called: Cardiomyopathies. Identifiers: Orphanet 167848, MedGen C0878544, MONDO:0004994, HP:0001638. Inheritance: Various modes of inheritance.
Catecholaminergic polymorphic ventricular tachycardia 1. Also called: VENTRICULAR TACHYCARDIA, CATECHOLAMINERGIC POLYMORPHIC, 1, WITH OR WITHOUT ATRIAL DYSFUNCTION AND/OR DILATED CARDIOMYOPATHY; RYR2-Related Catecholaminergic Polymorphic Ventricular Tachycardia; VENTRICULAR TACHYCARDIA, STRESS-INDUCED POLYMORPHIC 1. Identifiers: Orphanet 3286, MedGen C1631597, MONDO:0011484, OMIM 604772.

gnomAD v4.1: 2 of 1,541,366 alleles (0.00013%); highest among the groups gnomAD compares: Non-Finnish European, 0.00018%; no homozygotes.

Submissions (2):

Color Diagnostics, LLC DBA Color Health
Classification: Uncertain significance for Cardiomyopathy. Last evaluated: 2024-03-06. Review status: criteria provided, single submitter. Criteria: ACMG Guidelines, 2015. Collection method: clinical testing. Allele origin: germline.
Comment: This missense variant replaces arginine with leucine at codon 2772 of the RYR2 protein. Computational prediction suggests that this variant may have deleterious impact on protein structure and function (internally defined REVEL score threshold >= 0.7, PMID: 27666373). Splice site prediction tools suggest that this variant may not impact RNA splicing. To our knowledge, functional studies have not been performed for this variant. This variant has not been reported in individuals affected with cardiovascular disorders in the literature. This variant has not been identified in the general population by the Genome Aggregation Database (gnomAD). The available evidence is insufficient to determine the role of this variant in disease conclusively. Therefore, this variant is classified as a Variant of Uncertain Significance.

Labcorp Genetics (formerly Invitae), Labcorp
Classification: Uncertain significance for Catecholaminergic polymorphic ventricular tachycardia 1. Last evaluated: 2022-02-01. Review status: criteria provided, single submitter. Criteria: Invitae Variant Classification Sherloc (09022015). Collection method: clinical testing. Allele origin: germline.
Comment: This sequence change replaces arginine, which is basic and polar, with leucine, which is neutral and non-polar, at codon 2772 of the RYR2 protein (p.Arg2772Leu). This variant is not present in population databases (gnomAD no frequency). This variant has not been reported in the literature in individuals affected with RYR2-related conditions. ClinVar contains an entry for this variant (Variation ID: 920791). Algorithms developed to predict the effect of missense changes on protein structure and function (SIFT, PolyPhen-2, Align-GVGD) all suggest that this variant is likely to be disruptive. In summary, the available evidence is currently insufficient to determine the role of this variant in disease. Therefore, it has been classified as a Variant of Uncertain Significance.